The following is an entry in ClinVar:

ClinVar aggregate classification (germline): Uncertain significance (1 of 4 stars; one submission).

Conditions:
Hereditary nonpolyposis colorectal neoplasms. Identifiers: MedGen C0009405, MeSH D003123.

Submission:

Labcorp Genetics (formerly Invitae), Labcorp
Classification: Uncertain significance for Hereditary nonpolyposis colorectal neoplasms. Last evaluated: 2024-06-24. Review status: criteria provided, single submitter. Criteria: Invitae Variant Classification Sherloc (09022015). Collection method: clinical testing. Allele origin: germline.
Comment: This sequence change replaces threonine, which is neutral and polar, with proline, which is neutral and non-polar, at codon 1247 of the MSH6 protein (p.Thr1247Pro). This variant is not present in population databases (gnomAD no frequency). This variant has not been reported in the literature in individuals affected with MSH6-related conditions. Advanced modeling of protein sequence and biophysical properties (such as structural, functional, and spatial information, amino acid conservation, physicochemical variation, residue mobility, and thermodynamic stability) performed at Invitae indicates that this missense variant is expected to disrupt MSH6 protein function with a positive predictive value of 95%. In summary, the available evidence is currently insufficient to determine the role of this variant in disease. Therefore, it has been classified as a Variant of Uncertain Significance.

NM_000179.3(MSH6):c.3739A>C (p.Thr1247Pro)

Gene: MSH6 (mutS homolog 6; plus strand). Cytogenetic location: 2p16.3.
Variant type: single nucleotide variant.
Coding change: c.3739A>C on transcript NM_000179.3 (MANE Select); coding-DNA position 3739, A replaced by C.
Protein change: p.Thr1247Pro; replaces threonine 1247 with proline.
Molecular consequence: missense variant. On other transcripts: non-coding transcript variant (5).
Genome position (GRCh38, 1-based): chr2:47,806,296, A>C. VCF-style: chr2-47806296-A-C. GRCh37 (hg19) VCF-style: chr2-48033435-A-C.
Other names: c.3739A>C, p.Thr1247Pro (NM_001406808.1, NM_001406809.1, NM_001406796.1 and 1 more transcripts); c.2833A>C, p.Thr945Pro (NM_001406811.1, NM_001406812.1, NM_001406814.1 and 6 more transcripts); c.3745A>C, p.Thr1249Pro (NM_001406813.1); c.2173A>C, p.Thr725Pro (NM_001406817.1); c.3442A>C, p.Thr1148Pro (NM_001406818.1, NM_001406819.1, NM_001406820.1 and 10 more transcripts); c.3571A>C, p.Thr1191Pro (NM_001406826.1); c.520A>C, p.Thr174Pro (NM_001406831.1); c.586A>C, p.Thr196Pro (NM_001406832.1); and 7 more; short protein forms T1189P, T1247P, T1249P, T196P, T725P, T1191P, T174P, T959P.
Identifiers: ClinVar variation 3633973 (VCV003633973.2).